The following is an entry in ClinVar:

ClinVar aggregate classification (germline): Uncertain significance. Review status: criteria provided, multiple submitters, no conflicts (2 of 4 stars). 2 submissions from 2 submitters: Uncertain significance (2). Last evaluated 2024-02-29.

Conditions:
Inborn genetic diseases. Identifiers: MedGen C0950123, MeSH D030342.

Allele frequency attached by ClinVar (database versions not stated): gnomAD exomes 0.00001; TOPMed 0.00001.

Submissions (2):

Labcorp Genetics (formerly Invitae), Labcorp
Classification: Uncertain significance. Last evaluated: 2024-02-29. Review status: criteria provided, single submitter. Criteria: Invitae Variant Classification Sherloc (09022015). Collection method: clinical testing. Allele origin: germline.
Comment: This sequence change replaces threonine, which is neutral and polar, with isoleucine, which is neutral and non-polar, at codon 925 of the ITGA6 protein (p.Thr925Ile). This variant is present in population databases (no rsID available, gnomAD 0.007%). This variant has not been reported in the literature in individuals affected with ITGA6-related conditions. ClinVar contains an entry for this variant (Variation ID: 2097396). Advanced modeling of protein sequence and biophysical properties (such as structural, functional, and spatial information, amino acid conservation, physicochemical variation, residue mobility, and thermodynamic stability) performed at Invitae indicates that this missense variant is not expected to disrupt ITGA6 protein function with a negative predictive value of 80%. In summary, the available evidence is currently insufficient to determine the role of this variant in disease. Therefore, it has been classified as a Variant of Uncertain Significance.

Ambry Genetics
Classification: Uncertain significance for Inborn genetic diseases. Last evaluated: 2022-05-27. Review status: criteria provided, single submitter. Criteria: Ambry Variant Classification Scheme 2023. Collection method: clinical testing. Allele origin: germline.

NM_000210.4(ITGA6):c.2774C>T (p.Thr925Ile)

Genes: ITGA6 (integrin subunit alpha 6; plus strand), PDK1-AS1 (PDK1 and ITGA6 antisense RNA 1; minus strand). Cytogenetic location: 2q31.1.
Variant type: single nucleotide variant.
Coding change: c.2774C>T on transcript NM_000210.4 (MANE Select); coding-DNA position 2774, C replaced by T.
Protein change: p.Thr925Ile; replaces threonine 925 with isoleucine.
Molecular consequence: missense variant.
Genome position (GRCh38, 1-based): chr2:172,491,118, C>T. VCF-style: chr2-172491118-C-T. GRCh37 (hg19) VCF-style: chr2-173355846-C-T.
Other names: c.2774C>T, p.Thr925Ile (NM_001079818.3); c.2417C>T, p.Thr806Ile (NM_001316306.2); c.2729C>T, p.Thr910Ile (NM_001365529.2, NM_001365530.2); c.2891C>T, p.Thr964Ile (NM_001394928.1); short protein forms T910I, T806I, T925I, T964I.
Identifiers: ClinVar variation 2097396 (VCV002097396.4), dbSNP rs1360206709, ClinGen allele CA349296647.